The following is an entry in ClinVar:

ClinVar aggregate classification (germline): Uncertain significance (1 of 4 stars; one submission).

gnomAD v4.1: 1 of 1,140,424 alleles (0.000088%); highest among the groups gnomAD compares: Non-Finnish European, 0.00011%; no homozygotes.

Submission:

GeneDx
Classification: Uncertain significance. Last evaluated: 2014-05-07. Review status: criteria provided, single submitter. Criteria: GeneDx Variant Classification (06012015). Collection method: clinical testing. Allele origin: germline. Affected: yes.
Comment: p.Ser27Arg (AGC>AGA): c.81 C>A in exon 1 of the KCNQ1 gene (NM_000218.2). A variant of unknown significance has been identified in the KCNQ1 gene. The S27R variant has not been published as a mutation, nor has it been reported as a benign polymorphism to our knowledge. The S27R variant is a semi-conservative amino acid substitution, which may impact secondary protein structure as these residues differ in some properties. This substitution occurs at a position that is conserved in mammals. In silico analysis is inconsistent in its predictions as to whether or not the variant is damaging to the protein structure/function. Furthermore no missense mutations in nearby residues have been reported in association with LQTS, indicating this region of the protein may be tolerant of change. Therefore, based on the currently available information, it is unclear whether this variant is a pathogenic mutation or a rare benign variant. The variant is found in LQT panel(s).

NM_000218.3(KCNQ1):c.81C>A (p.Ser27Arg)

Gene: KCNQ1 (potassium voltage-gated channel subfamily Q member 1; plus strand). Cytogenetic location: 11p15.5.
Variant type: single nucleotide variant.
Coding change: c.81C>A on transcript NM_000218.3 (MANE Select); coding-DNA position 81, C replaced by A.
Protein change: p.Ser27Arg; replaces serine 27 with arginine.
Molecular consequence: missense variant.
Genome position (GRCh38, 1-based): chr11:2,445,179, C>A. VCF-style: chr11-2445179-C-A. GRCh37 (hg19) VCF-style: chr11-2466409-C-A.
Other names: p.S27R:AGC>AGA; short protein forms S27R.
Identifiers: ClinVar variation 200869 (VCV000200869.2), dbSNP rs794728546, ClinGen allele CA008347.